The following is an entry in ClinVar:

ClinVar aggregate classification (germline): Benign. Review status: criteria provided, multiple submitters, no conflicts (2 of 4 stars). 2 submissions from 2 submitters: Benign (2). Last evaluated 2018-01-13.

Conditions:
Neuropathy, hereditary sensory and autonomic, type 1C. Also called: HSAN IC; HSN IC. Identifiers: Orphanet 36386, MedGen C3150896, MONDO:0013337, OMIM 613640.

Allele frequency attached by ClinVar (database versions not stated): 1000 Genomes Project 0.05990; 1000 Genomes Project 30x 0.06293; gnomAD 0.07179 and 0.07254; TOPMed 0.07968.

Submissions (2):

Illumina Laboratory Services, Illumina
Classification: Benign for Neuropathy, hereditary sensory and autonomic, type 1C. Last evaluated: 2018-01-13. Review status: criteria provided, single submitter. Criteria: ICSL Variant Classification Criteria 13 December 2019. Collection method: clinical testing. Allele origin: germline.
Comment: This variant was observed in the ICSL laboratory as part of a predisposition screen in an ostensibly healthy population. It had not been previously curated by ICSL or reported in the Human Gene Mutation Database (HGMD: prior to June 1st, 2018), and was therefore a candidate for classification through an automated scoring system. Utilizing variant allele frequency, disease prevalence and penetrance estimates, and inheritance mode, an automated score was calculated to assess if this variant is too frequent to cause the disease. Based on the score and internal cut-off values, a variant classified as benign is not then subjected to further curation. The score for this variant resulted in a classification of benign for this disease.

Breakthrough Genomics
Classification: Benign. Review status: criteria provided, single submitter. Criteria: ACMG Guidelines, 2015. Collection method: not provided. Allele origin: germline. Inheritance: Autosomal dominant inheritance. Affected: yes.

NM_004863.4(SPTLC2):c.*1134T>C

Gene: SPTLC2 (serine palmitoyltransferase long chain base subunit 2; minus strand). Cytogenetic location: 14q24.3.
Variant type: single nucleotide variant.
Coding change: c.*1134T>C on transcript NM_004863.4 (MANE Select); 1134 bases downstream of the stop codon, T replaced by C.
Molecular consequence: 3 prime UTR variant.
Genome position (GRCh38, 1-based): chr14:77,511,150, A>G on the plus strand (T>C on the coding strand, the complement: SPTLC2 is on the minus strand). VCF-style: chr14-77511150-A-G. GRCh37 (hg19) VCF-style: chr14-77977493-A-G.
Identifiers: ClinVar variation 314645 (VCV000314645.6), dbSNP rs17751562, ClinGen allele CA10641164.